The following is an entry in ClinVar:

ClinVar aggregate classification (germline): Uncertain significance (1 of 4 stars; one submission).

Conditions:
Cutis laxa, X-linked (OHS). Also called: EDS IX; Occipital horn syndrome. Identifiers: Orphanet 198, MedGen C0268353, MONDO:0010572, OMIM 304150.
Menkes kinky-hair syndrome (MNK). Also called: Classic Menkes Disease; Copper transport disease; Menkes Disease. Identifiers: Orphanet 565, MedGen C0022716, MONDO:0010651, OMIM 309400.
X-linked distal spinal muscular atrophy type 3. Also called: SPINAL MUSCULAR ATROPHY, DISTAL, X-LINKED RECESSIVE; ATP7A-Related Distal Motor Neuropathy; NEURONOPATHY, DISTAL HEREDITARY MOTOR, X-LINKED; NEUROPATHY, DISTAL HEREDITARY MOTOR, X-LINKED. Identifiers: Orphanet 139557, MedGen C1845359, MONDO:0010338, OMIM 300489.

Submission:

Labcorp Genetics (formerly Invitae), Labcorp
Classification: Uncertain significance for X-linked distal spinal muscular atrophy type 3; Cutis laxa, X-linked; Menkes kinky-hair syndrome. Last evaluated: 2022-03-02. Review status: criteria provided, single submitter. Criteria: Invitae Variant Classification Sherloc (09022015). Collection method: clinical testing. Allele origin: germline.
Comment: Algorithms developed to predict the effect of sequence changes on RNA splicing suggest that this variant may create or strengthen a splice site. In summary, the available evidence is currently insufficient to determine the role of this variant in disease. Therefore, it has been classified as a Variant of Uncertain Significance. Algorithms developed to predict the effect of missense changes on protein structure and function are either unavailable or do not agree on the potential impact of this missense change (SIFT: "Not Available"; PolyPhen-2: "Probably Damaging"; Align-GVGD: "Not Available"). ClinVar contains an entry for this variant (Variation ID: 465115). This variant has not been reported in the literature in individuals affected with ATP7A-related conditions. Information on the frequency of this variant in the gnomAD database is not available, as this variant may be reported differently in the database. This sequence change replaces threonine with valine at codon 1010 of the ATP7A protein (p.Thr1010Val). The threonine residue is highly conserved and there is a small physicochemical difference between threonine and valine.

NM_000052.7(ATP7A):c.3028_3030delinsGTG (p.Thr1010Val)

Gene: ATP7A (ATPase copper transporting alpha; plus strand). Cytogenetic location: Xq21.1.
Variant type: Indel.
Coding change: c.3028_3030delinsGTG on transcript NM_000052.7 (MANE Select); coding-DNA positions 3028 to 3030, ACT replaced by GTG.
Protein change: p.Thr1010Val; replaces threonine 1010 with valine.
Molecular consequence: missense variant.
Genome position (GRCh38, 1-based): chrX:78,029,361-78,029,363, ACT replaced by GTG. VCF-style: chrX-78029361-ACT-GTG. GRCh37 (hg19) VCF-style: chrX-77284858-ACT-GTG.
Other names: c.2794_2796delinsGTG, p.Thr932Val (NM_001282224.2); short protein forms T1010V, T932V.
Identifiers: ClinVar variation 465115 (VCV000465115.7), dbSNP rs1557236745, ClinGen allele CA658659023.